The following is an entry in ClinVar:

ClinVar aggregate classification (germline): Uncertain significance (1 of 4 stars; one submission).

gnomAD v4.1: 4 of 1,613,570 alleles (0.00025%); highest among the groups gnomAD compares: Non-Finnish European, 0.00034%; no homozygotes.

Submission:

Labcorp Genetics (formerly Invitae), Labcorp
Classification: Uncertain significance. Last evaluated: 2025-08-26. Review status: criteria provided, single submitter. Criteria: Invitae Variant Classification Sherloc (09022015). Collection method: clinical testing. Allele origin: germline.
Comment: This sequence change replaces threonine, which is neutral and polar, with isoleucine, which is neutral and non-polar, at codon 618 of the IMPG1 protein (p.Thr618Ile). This variant is not present in population databases (gnomAD no frequency). This variant has not been reported in the literature in individuals affected with IMPG1-related conditions. An algorithm developed to predict the effect of missense changes on protein structure and function (PolyPhen-2) suggests that this variant is likely to be disruptive. In summary, the available evidence is currently insufficient to determine the role of this variant in disease. Therefore, it has been classified as a Variant of Uncertain Significance.

NM_001563.4(IMPG1):c.1853C>T (p.Thr618Ile)

Gene: IMPG1 (interphotoreceptor matrix proteoglycan 1; minus strand). Cytogenetic location: 6q14.1.
Variant type: single nucleotide variant.
Coding change: c.1853C>T on transcript NM_001563.4 (MANE Select); coding-DNA position 1853, C replaced by T.
Protein change: p.Thr618Ile; replaces threonine 618 with isoleucine.
Molecular consequence: missense variant.
Genome position (GRCh38, 1-based): chr6:75,947,505, G>A on the plus strand (C>T on the coding strand, the complement: IMPG1 is on the minus strand). VCF-style: chr6-75947505-G-A. GRCh37 (hg19) VCF-style: chr6-76657222-G-A.
Other names: c.1619C>T, p.Thr540Ile (NM_001282368.2); short protein forms T540I, T618I.
Identifiers: ClinVar variation 4726130 (VCV004726130.1).